The following is an entry in ClinVar:

NM_012330.4(KAT6B):c.3962_3963del (p.Gln1321fs)

Gene: KAT6B (lysine acetyltransferase 6B; plus strand). Cytogenetic location: 10q22.2.
Variant type: Deletion.
Coding change: c.3962_3963del on transcript NM_012330.4 (MANE Select); coding-DNA positions 3962 to 3963, 2 bases deleted (AA; older notation c.3962_3963delAA).
Protein change: p.Gln1321fs; shifts the reading frame from glutamine 1321.
Molecular consequence: frameshift variant.
Genome position (GRCh38, 1-based): chr10:75,028,786-75,028,787, AA deleted. VCF-style (leftmost placement, unchanged base first): chr10-75028785-CAA-C. GRCh37 (hg19) VCF-style: chr10-76788543-CAA-C.
Other names: c.3413_3414del, p.Gln1138fs (NM_001256468.2, NM_001370138.1); c.3086_3087del, p.Gln1029fs (NM_001256469.2, NM_001370139.1, NM_001370140.1 and 2 more transcripts); c.2924_2925del, p.Gln975fs (NM_001370132.1); c.2273_2274del, p.Gln758fs (NM_001370133.1); c.1877_1878del, p.Gln626fs (NM_001370134.1); c.1619_1620del, p.Gln540fs (NM_001370135.1); c.3962_3963del, p.Gln1321fs (NM_001370136.1, NM_001370137.1); c.2897_2898del, p.Gln966fs (NM_001370143.1, NM_001370144.1); and 1 more; short protein forms Q975fs, Q1138fs, Q1029fs, Q1321fs, Q540fs, Q626fs, Q758fs, Q966fs.
Identifiers: ClinVar variation 216946 (VCV000216946.3), dbSNP rs863224883, ClinGen allele CA278929.

ClinVar aggregate classification (germline): Pathogenic/Likely pathogenic. Review status: criteria provided, multiple submitters, no conflicts (2 of 4 stars). 2 submissions from 2 submitters: Pathogenic (1); Likely pathogenic (1). Last evaluated 2023-06-08.

Conditions:
Blepharophimosis - intellectual disability syndrome, SBBYS type (SBBYSS). Also called: Young Simpson syndrome; Mental retardation unusual facies hypothyroidism; Say-Barber-Biesecker variant of Ohdo syndrome (SBBYSS); Ohdo syndrome, SBBYS variant; SBBYSS syndrome; Say-Barber-Biesecker-Young-Simpson variant of Ohdo Syndrome. Identifiers: Orphanet 3047, MedGen C1863557, MONDO:0011365, OMIM 603736.

Submissions (2):

GeneDx
Classification: Pathogenic. Last evaluated: 2023-06-08. Review status: criteria provided, single submitter. Criteria: GeneDx Variant Classification Process June 2021. Collection method: clinical testing. Allele origin: germline. Affected: yes.
Comment: Frameshift variant predicted to result in protein truncation, as the last 753 amino acids are replaced with 19 different amino acids, and other loss-of-function variants have been reported downstream in HGMD; Not observed at significant frequency in large population cohorts (gnomAD); This variant is associated with the following publications: (PMID: 25424711, 32424177, 25326637)

UCLA Clinical Genomics Center, UCLA
Classification: Likely pathogenic for Young Simpson syndrome. Last evaluated: 2013-08-13. Review status: criteria provided, single submitter. Criteria: Lee et al. (JAMA. 2014). Collection method: clinical testing. Allele origin: de novo. Inheritance: Autosomal dominant inheritance. Affected: yes. Study: CES.